The following is an entry in ClinVar:

NM_001029883.3(PCARE):c.1009G>A (p.Asp337Asn)

Gene: PCARE (photoreceptor cilium actin regulator; minus strand). Cytogenetic location: 2p23.2.
Variant type: single nucleotide variant.
Coding change: c.1009G>A on transcript NM_001029883.3 (MANE Select); coding-DNA position 1009, G replaced by A.
Protein change: p.Asp337Asn; replaces aspartic acid 337 with asparagine.
Molecular consequence: missense variant.
Genome position (GRCh38, 1-based): chr2:29,073,253, C>T on the plus strand (G>A on the coding strand, the complement: PCARE is on the minus strand). VCF-style: chr2-29073253-C-T. GRCh37 (hg19) VCF-style: chr2-29296119-C-T.
Other names: short protein forms D337N.
Identifiers: ClinVar variation 963008 (VCV000963008.9), dbSNP rs771160450, ClinGen allele CA1592522.

ClinVar aggregate classification (germline): Uncertain significance. Review status: criteria provided, multiple submitters, no conflicts (2 of 4 stars). 2 submissions from 2 submitters: Uncertain significance (2). Last evaluated 2024-02-24.

Allele frequency attached by ClinVar (database versions not stated): gnomAD exomes 0.00002 and 0.00004; TOPMed 0.00005; gnomAD 0.00006 and 0.00007; ExAC 0.00007.
gnomAD v4.1: 33 of 1,613,788 alleles (0.002%); highest among the groups gnomAD compares: African/African-American, 0.012%; no homozygotes.

Submissions (2):

Labcorp Genetics (formerly Invitae), Labcorp
Classification: Uncertain significance. Last evaluated: 2024-02-24. Review status: criteria provided, single submitter. Criteria: Invitae Variant Classification Sherloc (09022015). Collection method: clinical testing. Allele origin: germline.
Comment: This sequence change replaces aspartic acid, which is acidic and polar, with asparagine, which is neutral and polar, at codon 337 of the PCARE protein (p.Asp337Asn). This variant is present in population databases (rs771160450, gnomAD 0.01%). This variant has not been reported in the literature in individuals affected with PCARE-related conditions. ClinVar contains an entry for this variant (Variation ID: 963008). An algorithm developed to predict the effect of missense changes on protein structure and function (PolyPhen-2) suggests that this variant is likely to be disruptive. In summary, the available evidence is currently insufficient to determine the role of this variant in disease. Therefore, it has been classified as a Variant of Uncertain Significance.

Blueprint Genetics
Classification: Uncertain significance. Last evaluated: 2021-11-12. Review status: criteria provided, single submitter. Criteria: ACMG Guidelines, 2015. Collection method: clinical testing. Allele origin: germline.